The following is an entry in ClinVar:

NM_006129.5(BMP1):c.1969G>A (p.Ala657Thr)

Gene: BMP1 (bone morphogenetic protein 1; plus strand). Cytogenetic location: 8p21.3.
Variant type: single nucleotide variant.
Coding change: c.1969G>A on transcript NM_006129.5 (MANE Select); coding-DNA position 1969, G replaced by A.
Protein change: p.Ala657Thr; replaces alanine 657 with threonine.
Molecular consequence: missense variant. On other transcripts: non-coding transcript variant (2).
Genome position (GRCh38, 1-based): chr8:22,197,282, G>A. VCF-style: chr8-22197282-G-A. GRCh37 (hg19) VCF-style: chr8-22054795-G-A.
Other names: c.1969G>A, p.Ala657Thr (NM_001199.4); short protein forms A657T.
Identifiers: ClinVar variation 2229847 (VCV002229847.3), dbSNP rs555814700, ClinGen allele CA4664909.

ClinVar aggregate classification (germline): Uncertain significance. Review status: criteria provided, multiple submitters, no conflicts (2 of 4 stars). 2 submissions from 2 submitters: Uncertain significance (2). Last evaluated 2025-05-23.

Conditions:
Inborn genetic diseases. Identifiers: MedGen C0950123, MeSH D030342.

Allele frequency attached by ClinVar (database versions not stated): 1000 Genomes Project 0.00020; TOPMed 0.00001; gnomAD exomes 0.00002; 1000 Genomes Project 30x 0.00031; ExAC 0.00001; gnomAD 0.00002.

Submissions (2):

GeneDx
Classification: Uncertain significance. Last evaluated: 2025-05-23. Review status: criteria provided, single submitter. Criteria: GeneDx Variant Classification Process June 2021. Collection method: clinical testing. Allele origin: germline. Affected: yes.
Comment: In silico analysis suggests that this missense variant does not alter protein structure/function; Has not been previously published as pathogenic or benign to our knowledge

Ambry Genetics
Classification: Uncertain significance for Inborn genetic diseases. Last evaluated: 2021-06-11. Review status: criteria provided, single submitter. Criteria: Ambry Variant Classification Scheme 2023. Collection method: clinical testing. Allele origin: germline.